The following is an entry in ClinVar:

ClinVar aggregate classification (germline): Uncertain significance (1 of 4 stars; one submission).

Conditions:
Hereditary cancer-predisposing syndrome. Also called: Neoplastic Syndromes, Hereditary; Tumor predisposition; Hereditary Cancer Syndrome; Hereditary neoplastic syndrome. Identifiers: Orphanet 140162, MedGen C0027672, MeSH D009386, MONDO:0015356.

Allele frequency attached by ClinVar (database versions not stated): gnomAD exomes below 0.00001.
gnomAD v4.1: 1 of 1,614,062 alleles (0.000062%); highest among the groups gnomAD compares: South Asian, 0.0011%; no homozygotes.

Submission:

Ambry Genetics
Classification: Uncertain significance for Hereditary cancer-predisposing syndrome. Last evaluated: 2021-08-14. Review status: criteria provided, single submitter. Criteria: Ambry Variant Classification Scheme 2023. Collection method: clinical testing. Allele origin: germline.
Comment: The p.L129R variant (also known as c.386T>G), located in coding exon 4 of the RAD50 gene, results from a T to G substitution at nucleotide position 386. The leucine at codon 129 is replaced by arginine, an amino acid with dissimilar properties. This amino acid position is conserved. In addition, the in silico prediction for this alteration is inconclusive. Since supporting evidence is limited at this time, the clinical significance of this alteration remains unclear.

NM_005732.4(RAD50):c.386T>G (p.Leu129Arg)

Gene: RAD50 (RAD50 double strand break repair protein; plus strand). Cytogenetic location: 5q31.1.
Variant type: single nucleotide variant.
Coding change: c.386T>G on transcript NM_005732.4 (MANE Select); coding-DNA position 386, T replaced by G.
Protein change: p.Leu129Arg; replaces leucine 129 with arginine.
Molecular consequence: missense variant.
Genome position (GRCh38, 1-based): chr5:132,579,337, T>G. VCF-style: chr5-132579337-T-G. GRCh37 (hg19) VCF-style: chr5-131915029-T-G.
Other names: short protein forms L129R.
Identifiers: ClinVar variation 1735694 (VCV001735694.2), dbSNP rs2479615489, ClinGen allele CA360933456.
Genomic context (GRCh38, chr5:132,579,337, plus strand): 5'-AGGTTATTTTACATATATTCTTGATTTTCATTTTCTGTAGGCATGGTGAAAAGGTCAGTC[T>G]GAGCTCTAAGTGTGCAGAAATTGACCGAGAAATGATCAGTTCTCTTGGGGTTTCCAAGGC-3'
Protein context (NP_005723.2, residues 119-139): TRTKHGEKVS[Leu129Arg]SSKCAEIDRE